The following is an entry in ClinVar:

NM_201384.3(PLEC):c.3002C>T (p.Thr1001Met)

Gene: PLEC (plectin; minus strand). Cytogenetic location: 8q24.3.
Variant type: single nucleotide variant.
Coding change: c.3002C>T on transcript NM_201384.3 (MANE Select); coding-DNA position 3002, C replaced by T.
Protein change: p.Thr1001Met; replaces threonine 1001 with methionine.
Molecular consequence: missense variant.
Genome position (GRCh38, 1-based): chr8:143,929,493, G>A on the plus strand (C>T on the coding strand, the complement: PLEC is on the minus strand). VCF-style: chr8-143929493-G-A. GRCh37 (hg19) VCF-style: chr8-145003661-G-A.
Other names: c.3083C>T, p.Thr1028Met (NM_000445.5); c.2960C>T, p.Thr987Met (NM_201378.4); c.2936C>T, p.Thr979Met (NM_201379.3); c.3413C>T, p.Thr1138Met (NM_201380.4); c.2906C>T, p.Thr969Met (NM_201381.3); c.3002C>T, p.Thr1001Met (NM_201382.4); c.3014C>T, p.Thr1005Met (NM_201383.3); c.3083C>T (NM_000445.3); short protein forms T1005M, T1028M, T1138M, T987M, T979M, T1001M, T969M.
Identifiers: ClinVar variation 956325 (VCV000956325.8), dbSNP rs782176940, ClinGen allele CA4927266.
Genomic context (GRCh38, chr8:143,929,493, plus strand): 5'-TGGGCACACTCCCGTGCCGGCTCTTTGTCCAGCGGCAGCCGCAGGCGGTGCACGGTGCGC[G>A]TCTCACAGGCCTCCAGCTGCAGCCGGATGTCTTTGAGCTCGGAGATGCAGCGCTGGCAGC-3'
Protein context (NP_958786.1, residues 991-1011): DIRLQLEACE[Thr1001Met]RTVHRLRLPL

ClinVar aggregate classification (germline): Uncertain significance. Review status: criteria provided, multiple submitters, no conflicts (2 of 4 stars). 2 submissions from 2 submitters: Uncertain significance (2). Last evaluated 2026-08-23.

Conditions:
Epidermolysis bullosa simplex 5B, with muscular dystrophy (EBS5B). Also called: EPIDERMOLYSIS BULLOSA SIMPLEX AND LIMB-GIRDLE MUSCULAR DYSTROPHY; Epidermolysis bullosa simplex with muscular dystrophy. Identifiers: Orphanet 257, MedGen C2931072, MONDO:0009181, OMIM 226670.
Autosomal recessive limb-girdle muscular dystrophy type 2Q (LGMDR17). Also called: MUSCULAR DYSTROPHY, LIMB-GIRDLE, AUTOSOMAL RECESSIVE 17. Identifiers: Orphanet 254361, MedGen C3150989, MONDO:0013390, OMIM 613723.
Epidermolysis bullosa simplex, Ogna type (EBS5A). Also called: Pidermolysis bullosa simplex 5A, Ogna type; EPIDERMOLYSIS BULLOSA SIMPLEX 5A, OGNA TYPE. Identifiers: Orphanet 79401, MedGen C0432317, MONDO:0007555, OMIM 131950.
Epidermolysis bullosa simplex with nail dystrophy (EBS5D). Identifiers: MedGen C4225309, MONDO:0014661, OMIM 616487.
Epidermolysis bullosa simplex 5C, with pyloric atresia (EBS5C). Also called: PLEC-Related Epidermolysis Bullosa with Pyloric Atresia; Epidermolysis bullosa simplex with pyloric atresia; PLEC1-Related Epidermolysis Bullosa with Pyloric Atresia. Identifiers: Orphanet 158684, MedGen C2677349, MONDO:0012807, OMIM 612138.
Inborn genetic diseases. Identifiers: MedGen C0950123, MeSH D030342.

Allele frequency attached by ClinVar (database versions not stated): TOPMed below 0.00001; ExAC 0.00001; gnomAD exomes 0.00001.
gnomAD v4.1: 11 of 1,610,686 alleles (0.00068%); highest among the groups gnomAD compares: East Asian, 0.0045%; no homozygotes.

Submissions (2):

Ambry Genetics
Classification: Uncertain significance for Inborn genetic diseases. Last evaluated: 2026-08-23. Review status: criteria provided, single submitter. Criteria: Ambry Variant Classification Scheme 2023. Collection method: clinical testing. Allele origin: germline.

Labcorp Genetics (formerly Invitae), Labcorp
Classification: Uncertain significance for Autosomal recessive limb-girdle muscular dystrophy type 2Q; Epidermolysis bullosa simplex, Ogna type; Epidermolysis bullosa simplex with nail dystrophy; Epidermolysis bullosa simplex 5C, with pyloric atresia; Epidermolysis bullosa simplex 5B, with muscular dystrophy. Last evaluated: 2024-02-24. Review status: criteria provided, single submitter. Criteria: Invitae Variant Classification Sherloc (09022015). Collection method: clinical testing. Allele origin: germline.
Comment: This sequence change replaces threonine, which is neutral and polar, with methionine, which is neutral and non-polar, at codon 1028 of the PLEC protein (p.Thr1028Met). This variant is present in population databases (rs782176940, gnomAD 0.003%). This variant has not been reported in the literature in individuals affected with PLEC-related conditions. ClinVar contains an entry for this variant (Variation ID: 956325). Advanced modeling of protein sequence and biophysical properties (such as structural, functional, and spatial information, amino acid conservation, physicochemical variation, residue mobility, and thermodynamic stability) performed at Invitae indicates that this missense variant is not expected to disrupt PLEC protein function with a negative predictive value of 80%. In summary, the available evidence is currently insufficient to determine the role of this variant in disease. Therefore, it has been classified as a Variant of Uncertain Significance.